The following is an entry in ClinVar:

ClinVar aggregate classification (germline): Pathogenic (1 of 4 stars; one submission).

Conditions:
Developmental and epileptic encephalopathy. Identifiers: MedGen C5779964, MONDO:0100620.

Submission:

Labcorp Genetics (formerly Invitae), Labcorp
Classification: Pathogenic for Early-infantile DEE. Last evaluated: 2022-12-20. Review status: criteria provided, single submitter. Criteria: Invitae Variant Classification Sherloc (09022015). Collection method: clinical testing. Allele origin: unknown.
Comment: For these reasons, this variant has been classified as Pathogenic. This variant has not been reported in the literature in individuals affected with SCN1A-related conditions. This variant is a gross deletion of the genomic region encompassing exon(s) 1-6 of the SCN1A gene, which includes the initiator codon. This deletion extends beyond the assayed region for this gene and therefore may encompass additional genes. It is expected to result in an absent or disrupted protein product. Loss-of-function variants in SCN1A are known to be pathogenic (PMID: 17347258, 18930999).

Literature cited by the submitters: PubMed 17347258; PubMed 18930999.

NC_000002.11:g.(?_166908209)_(167168266_?)del

Genes: SCN1A (sodium voltage-gated channel alpha subunit 1; minus strand), SCN9A (sodium voltage-gated channel alpha subunit 9; minus strand). Cytogenetic location: 2q24.3.
Variant type: Deletion.
Identifiers: ClinVar variation 3247191 (VCV003247191.1).